The following is an entry in ClinVar:

ClinVar aggregate classification (germline): Uncertain significance (1 of 4 stars; one submission).

Conditions:
Giant axonal neuropathy 1 (GAN1). Also called: GIANT AXONAL NEUROPATHY 1, AUTOSOMAL RECESSIVE; GAN-Related Neurodegeneration. Identifiers: Orphanet 643, MedGen C1850386, MONDO:0009749, OMIM 256850.

Allele frequency attached by ClinVar (database versions not stated): gnomAD exomes below 0.00001.
gnomAD v4.1: 5 of 1,494,704 alleles (0.00033%); highest among the groups gnomAD compares: African/African-American, 0.0014%; no homozygotes.

Submission:

Labcorp Genetics (formerly Invitae), Labcorp
Classification: Uncertain significance for Giant axonal neuropathy 1. Last evaluated: 2023-11-13. Review status: criteria provided, single submitter. Criteria: Invitae Variant Classification Sherloc (09022015). Collection method: clinical testing. Allele origin: germline.
Comment: This sequence change replaces proline, which is neutral and non-polar, with leucine, which is neutral and non-polar, at codon 63 of the GAN protein (p.Pro63Leu). This variant is not present in population databases (gnomAD no frequency). This variant has not been reported in the literature in individuals affected with GAN-related conditions. ClinVar contains an entry for this variant (Variation ID: 1393852). An algorithm developed to predict the effect of missense changes on protein structure and function (PolyPhen-2) suggests that this variant is likely to be tolerated. In summary, the available evidence is currently insufficient to determine the role of this variant in disease. Therefore, it has been classified as a Variant of Uncertain Significance.

NM_022041.4(GAN):c.188C>T (p.Pro63Leu)

Gene: GAN (gigaxonin; plus strand). Cytogenetic location: 16q23.2.
Variant type: single nucleotide variant.
Coding change: c.188C>T on transcript NM_022041.4 (MANE Select); coding-DNA position 188, C replaced by T.
Protein change: p.Pro63Leu; replaces proline 63 with leucine.
Molecular consequence: missense variant. On other transcripts: intron variant (1).
Genome position (GRCh38, 1-based): chr16:81,351,603, C>T. VCF-style: chr16-81351603-C-T. GRCh37 (hg19) VCF-style: chr16-81385208-C-T.
Other names: c.-357-2802C>T (NM_001377486.1); short protein forms P63L.
Identifiers: ClinVar variation 1393852 (VCV001393852.8), dbSNP rs1400059269, ClinGen allele CA396865338.